The following is an entry in ClinVar:

NM_001126121.2(SLC25A19):c.220G>A (p.Gly74Ser)

Gene: SLC25A19 (solute carrier family 25 member 19; minus strand). Cytogenetic location: 17q25.1.
Variant type: single nucleotide variant.
Coding change: c.220G>A on transcript NM_001126121.2 (MANE Select); coding-DNA position 220, G replaced by A.
Protein change: p.Gly74Ser; replaces glycine 74 with serine.
Molecular consequence: missense variant.
Genome position (GRCh38, 1-based): chr17:75,286,372, C>T on the plus strand (G>A on the coding strand, the complement: SLC25A19 is on the minus strand). VCF-style: chr17-75286372-C-T. GRCh37 (hg19) VCF-style: chr17-73282453-C-T.
Other names: c.220G>A, p.Gly74Ser (NM_001126122.2, NM_021734.5); short protein forms G74S.
Identifiers: ClinVar variation 4292975 (VCV004292975.1).
Genomic context (GRCh38, chr17:75,286,372, plus strand): 5'-CTCCATAGCCTATGGAGAGAATCTGAGCTGGGACGTGTCCTTTCCAGAAAGCTGTCGGAC[C>T]CTCCTCCTGCAGAATCTGCCTAGAGGCCTGGAGGATGCCATGGTACTTTGCGCTGGGGTC-3'
Protein context (NP_001119593.1, residues 64-84): QASRQILQEE[Gly74Ser]PTAFWKGHVP

ClinVar aggregate classification (germline): Uncertain significance (1 of 4 stars; one submission).

Conditions:
Progressive demyelinating neuropathy with bilateral striatal necrosis (THMD4). Also called: Thiamine metabolism dysfunction syndrome 4 (progressive polyneuropathy type); BILATERAL STRIATAL DEGENERATION AND PROGRESSIVE POLYNEUROPATHY; Thiamine Metabolism Dysfunction Syndrome 4 (THMD-4). Identifiers: Orphanet 217396, MedGen C3150973, MONDO:0013382, OMIM 613710.

gnomAD v4.1: 1 of 1,614,138 alleles (0.000062%); highest among the groups gnomAD compares: Non-Finnish European, 0.000085%; no homozygotes.

Submission:

3billion
Classification: Uncertain significance for Progressive demyelinating neuropathy with bilateral striatal necrosis. Last evaluated: 2025-01-18. Review status: criteria provided, single submitter. Criteria: ACMG Guidelines, 2015. Collection method: clinical testing. Allele origin: germline. Affected: yes.
Comment: The variant is observed at an extremely low frequency in the gnomAD v4.1.0 dataset (total allele frequency: <0.001%). Predicted Consequence/Location: Missense variant In silico tool predictions suggest damaging effect of the variant on gene or gene product [REVEL: 0.92 (>=0.6, sensitivity 0.68 and specificity 0.92); 3Cnet: 0.17 (>=0.6, sensitivity 0.72 and precision 0.9)]. Therefore, this variant is classified as VUS according to the recommendation of ACMG/AMP guideline.